The following is an entry in ClinVar:

NM_018206.6(VPS35):c.2339G>A (p.Arg780Gln)

Gene: VPS35 (VPS35 retromer complex component; minus strand). Cytogenetic location: 16q11.2.
Variant type: single nucleotide variant.
Coding change: c.2339G>A on transcript NM_018206.6 (MANE Select); coding-DNA position 2339, G replaced by A.
Protein change: p.Arg780Gln; replaces arginine 780 with glutamine.
Molecular consequence: missense variant.
Genome position (GRCh38, 1-based): chr16:46,660,524, C>T on the plus strand (G>A on the coding strand, the complement: VPS35 is on the minus strand). VCF-style: chr16-46660524-C-T. GRCh37 (hg19) VCF-style: chr16-46694436-C-T.
Other names: short protein forms R780Q.
Identifiers: ClinVar variation 1436205 (VCV001436205.8), dbSNP rs910938026, ClinGen allele CA280201404.
Genomic context (GRCh38, chr16:46,660,524, plus strand): 5'-TTTCCTTTTTAAAGGATGAGACCTTCATAAATTGGCCCCTCGGATTCTGGTGATTCCCGC[C>T]GCAAGCGCAAATGCTCCAGTGTGTTATGAAAATGTTTGTTAATCTGCTCTGTTTCTTCAC-3'
Protein context (NP_060676.2, residues 770-790): FHNTLEHLRL[Arg780Gln]RESPESEGPI

ClinVar aggregate classification (germline): Uncertain significance (1 of 4 stars; one submission).

Conditions:
Parkinson disease 17 (PARK17). Also called: VPS35-Related Parkinson Disease. Identifiers: Orphanet 411602, MedGen C3280133, MONDO:0013625, OMIM 614203.

Allele frequency attached by ClinVar (database versions not stated): gnomAD exomes below 0.00001 and 0.00002; gnomAD 0.00002.
gnomAD v4.1: 26 of 1,613,866 alleles (0.0016%); highest among the groups gnomAD compares: South Asian, 0.0022%; no homozygotes.

Submission:

Labcorp Genetics (formerly Invitae), Labcorp
Classification: Uncertain significance for Parkinson disease 17. Last evaluated: 2021-08-05. Review status: criteria provided, single submitter. Criteria: Invitae Variant Classification Sherloc (09022015). Collection method: clinical testing. Allele origin: germline.
Comment: This sequence change replaces arginine with glutamine at codon 780 of the VPS35 protein (p.Arg780Gln). The arginine residue is moderately conserved and there is a small physicochemical difference between arginine and glutamine. This variant is not present in population databases (ExAC no frequency). This variant has not been reported in the literature in individuals with VPS35-related conditions. Algorithms developed to predict the effect of missense changes on protein structure and function (SIFT, PolyPhen-2, Align-GVGD) all suggest that this variant is likely to be tolerated, but these predictions have not been confirmed by published functional studies and their clinical significance is uncertain. Algorithms developed to predict the effect of sequence changes on RNA splicing suggest that this variant may create or strengthen a splice site, but this prediction has not been confirmed by published transcriptional studies. In summary, the available evidence is currently insufficient to determine the role of this variant in disease. Therefore, it has been classified as a Variant of Uncertain Significance.